The following is an entry in ClinVar:

NM_015346.4(ZFYVE26):c.5485-8T>G

Gene: ZFYVE26 (zinc finger FYVE-type containing 26; minus strand). Cytogenetic location: 14q24.1.
Variant type: single nucleotide variant.
Coding change: c.5485-8T>G on transcript NM_015346.4 (MANE Select); 8 bases into the intron before coding-DNA position 5485, T replaced by G.
Molecular consequence: intron variant.
Genome position (GRCh38, 1-based): chr14:67,769,738, A>C on the plus strand (T>G on the coding strand, the complement: ZFYVE26 is on the minus strand). VCF-style: chr14-67769738-A-C. GRCh37 (hg19) VCF-style: chr14-68236455-A-C.
Identifiers: ClinVar variation 1060437 (VCV001060437.9), dbSNP rs2140204102, ClinGen allele CA2499222700.

ClinVar aggregate classification (germline): Uncertain significance (1 of 4 stars; one submission).

Conditions:
Spastic paraplegia. Identifiers: MedGen C0037772, HP:0001258.

Submission:

Labcorp Genetics (formerly Invitae), Labcorp
Classification: Uncertain significance for Spastic paraplegia. Last evaluated: 2022-09-12. Review status: criteria provided, single submitter. Criteria: Invitae Variant Classification Sherloc (09022015). Collection method: clinical testing. Allele origin: germline.
Comment: This sequence change falls in intron 28 of the ZFYVE26 gene. It does not directly change the encoded amino acid sequence of the ZFYVE26 protein. This variant is not present in population databases (gnomAD no frequency). This variant has not been reported in the literature in individuals affected with ZFYVE26-related conditions. ClinVar contains an entry for this variant (Variation ID: 1060437). Algorithms developed to predict the effect of sequence changes on RNA splicing suggest that this variant may disrupt the consensus splice site. In summary, the available evidence is currently insufficient to determine the role of this variant in disease. Therefore, it has been classified as a Variant of Uncertain Significance.